The following is an entry in ClinVar:

ClinVar aggregate classification (germline): Likely benign. Review status: criteria provided, multiple submitters, no conflicts (2 of 4 stars). 2 submissions from 2 submitters: Likely benign (2). Last evaluated 2025-03-06.

Allele frequency attached by ClinVar (database versions not stated): ExAC 0.00011; ESP Exome Variant Server 0.00015; gnomAD 0.00017; TOPMed 0.00017; gnomAD exomes 0.00030.
gnomAD v4.1: 452 of 1,613,524 alleles (0.028%); highest among the groups gnomAD compares: Non-Finnish European, 0.035%; no homozygotes.

Submissions (2):

Labcorp Genetics (formerly Invitae), Labcorp
Classification: Likely benign. Last evaluated: 2025-03-06. Review status: criteria provided, single submitter. Criteria: Invitae Variant Classification Sherloc (09022015). Collection method: clinical testing. Allele origin: germline.

CeGaT Center for Human Genetics Tuebingen
Classification: Likely benign. Last evaluated: 2023-02-01. Review status: criteria provided, single submitter. Criteria: CeGaT Center For Human Genetics Tuebingen Variant Classification Criteria Version 2. Collection method: clinical testing. Allele origin: germline. Affected: yes. Observed: 1 variant allele.
Comment: USP7: BP4, BP7

NM_003470.3(USP7):c.975C>T (p.Arg325=)

Gene: USP7 (ubiquitin specific peptidase 7; minus strand). Cytogenetic location: 16p13.2.
Variant type: single nucleotide variant.
Coding change: c.975C>T on transcript NM_003470.3 (MANE Select); coding-DNA position 975, C replaced by T.
Protein change: p.Arg325=; no amino-acid change (arginine 325 retained).
Molecular consequence: synonymous variant. On other transcripts: non-coding transcript variant (1).
Genome position (GRCh38, 1-based): chr16:8,915,457, G>A on the plus strand (C>T on the coding strand, the complement: USP7 is on the minus strand). VCF-style: chr16-8915457-G-A. GRCh37 (hg19) VCF-style: chr16-9009314-G-A.
Other names: c.927C>T, p.Arg309= (NM_001286457.2); c.678C>T, p.Arg226= (NM_001286458.2); c.801C>T, p.Arg267= (NM_001321858.2).
Identifiers: ClinVar variation 2147651 (VCV002147651.28), dbSNP rs150837079, ClinGen allele CA7895542.